The following is an entry in ClinVar:

NM_002435.3(MPI):c.530C>T (p.Thr177Ile)

Gene: MPI (mannose phosphate isomerase; plus strand). Cytogenetic location: 15q24.1.
Variant type: single nucleotide variant.
Coding change: c.530C>T on transcript NM_002435.3 (MANE Select); coding-DNA position 530, C replaced by T.
Protein change: p.Thr177Ile; replaces threonine 177 with isoleucine.
Molecular consequence: missense variant. On other transcripts: intron variant (1).
Genome position (GRCh38, 1-based): chr15:74,893,180, C>T. VCF-style: chr15-74893180-C-T. GRCh37 (hg19) VCF-style: chr15-75185521-C-T.
Other names: c.530C>T (NM_002435.1); c.530C>T, p.Thr177Ile (NM_001289155.2); c.380C>T, p.Thr127Ile (NM_001289156.2); c.470C>T, p.Thr157Ile (NM_001330372.2); c.487+378C>T (NM_001289157.2); short protein forms T157I, T127I, T177I.
Identifiers: ClinVar variation 2144292 (VCV002144292.2), dbSNP rs771926521, ClinGen allele CA272823541.
Genomic context (GRCh38, chr15:74,893,180, plus strand): 5'-GGCCTTGCCTTCCTGTAGAGGTGCCTGAGTTTCAGTTCCTGATTGGAGATGAGGCAGCAA[C>T]ACACCTGAAGCAGACCATGAGCCATGACTCCCAGGCTGTGGCCTCCTCTCTGCAGAGCTG-3'
Protein context (NP_002426.1, residues 167-187): FQFLIGDEAA[Thr177Ile]HLKQTMSHDS

ClinVar aggregate classification (germline): Uncertain significance. Review status: criteria provided, multiple submitters, no conflicts (2 of 4 stars). 2 submissions from 2 submitters: Uncertain significance (2). Last evaluated 2024-03-25.

Conditions:
Inborn genetic diseases. Identifiers: MedGen C0950123, MeSH D030342.
MPI-congenital disorder of glycosylation. Also called: MPI DEFICIENCY; MANNOSEPHOSPHATE ISOMERASE DEFICIENCY; PROTEIN-LOSING ENTEROPATHY-HEPATIC FIBROSIS SYNDROME; MPI-CDG; CDG Ib; CONGENITAL DISORDER OF GLYCOSYLATION, TYPE Ib. Identifiers: Orphanet 79319, MedGen C1865145, MONDO:0011257, OMIM 602579.

Allele frequency attached by ClinVar (database versions not stated): gnomAD exomes 0.00001; gnomAD 0.00003; TOPMed 0.00012.

Submissions (2):

Ambry Genetics
Classification: Uncertain significance for Inborn genetic diseases. Last evaluated: 2024-03-25. Review status: criteria provided, single submitter. Criteria: Ambry Variant Classification Scheme 2023. Collection method: clinical testing. Allele origin: germline.

Labcorp Genetics (formerly Invitae), Labcorp
Classification: Uncertain significance for MPI-congenital disorder of glycosylation. Last evaluated: 2022-04-18. Review status: criteria provided, single submitter. Criteria: Invitae Variant Classification Sherloc (09022015). Collection method: clinical testing. Allele origin: germline.
Comment: This sequence change replaces threonine, which is neutral and polar, with isoleucine, which is neutral and non-polar, at codon 177 of the MPI protein (p.Thr177Ile). This variant is present in population databases (rs771926521, gnomAD 0.006%). This variant has not been reported in the literature in individuals affected with MPI-related conditions. Algorithms developed to predict the effect of missense changes on protein structure and function output the following: SIFT: "Tolerated"; PolyPhen-2: "Benign"; Align-GVGD: "Class C0". The isoleucine amino acid residue is found in multiple mammalian species, which suggests that this missense change does not adversely affect protein function. In summary, the available evidence is currently insufficient to determine the role of this variant in disease. Therefore, it has been classified as a Variant of Uncertain Significance.